The following is an entry in ClinVar:

ClinVar aggregate classification (germline): Uncertain significance (1 of 4 stars; one submission).

Allele frequency attached by ClinVar (database versions not stated): ExAC 0.00001; gnomAD 0.00002; gnomAD exomes 0.00002; TOPMed 0.00002; ESP Exome Variant Server 0.00016.
gnomAD v4.1: 31 of 1,613,466 alleles (0.0019%); highest among the groups gnomAD compares: Non-Finnish European, 0.0025%; no homozygotes.

Submission:

Labcorp Genetics (formerly Invitae), Labcorp
Classification: Uncertain significance. Last evaluated: 2024-02-19. Review status: criteria provided, single submitter. Criteria: Invitae Variant Classification Sherloc (09022015). Collection method: clinical testing. Allele origin: germline.
Comment: This sequence change replaces arginine, which is basic and polar, with tryptophan, which is neutral and slightly polar, at codon 379 of the OBSL1 protein (p.Arg379Trp). This variant is present in population databases (rs373350581, gnomAD 0.01%). This variant has not been reported in the literature in individuals affected with OBSL1-related conditions. ClinVar contains an entry for this variant (Variation ID: 2191153). An algorithm developed to predict the effect of missense changes on protein structure and function (PolyPhen-2) suggests that this variant is likely to be disruptive. In summary, the available evidence is currently insufficient to determine the role of this variant in disease. Therefore, it has been classified as a Variant of Uncertain Significance.

NM_015311.3(OBSL1):c.1135C>T (p.Arg379Trp)

Gene: OBSL1 (obscurin like cytoskeletal adaptor 1; minus strand). Cytogenetic location: 2q35.
Variant type: single nucleotide variant.
Coding change: c.1135C>T on transcript NM_015311.3 (MANE Select); coding-DNA position 1135, C replaced by T.
Protein change: p.Arg379Trp; replaces arginine 379 with tryptophan.
Molecular consequence: missense variant.
Genome position (GRCh38, 1-based): chr2:219,568,202, G>A on the plus strand (C>T on the coding strand, the complement: OBSL1 is on the minus strand). VCF-style: chr2-219568202-G-A. GRCh37 (hg19) VCF-style: chr2-220432924-G-A.
Other names: c.1135C>T, p.Arg379Trp (NM_001173408.2, NM_001173431.2); short protein forms R379W.
Identifiers: ClinVar variation 2191153 (VCV002191153.4), dbSNP rs373350581, ClinGen allele CA2131631.